The following is an entry in ClinVar:

NM_000022.4(ADA):c.606+1G>T

Gene: ADA (adenosine deaminase; minus strand). Cytogenetic location: 20q13.12.
Variant type: single nucleotide variant.
Coding change: c.606+1G>T on transcript NM_000022.4 (MANE Select); the canonical splice donor site of the intron after coding-DNA position 606, G replaced by T.
Molecular consequence: splice donor variant.
Genome position (GRCh38, 1-based): chr20:44,624,201, C>A on the plus strand (G>T on the coding strand, the complement: ADA is on the minus strand). VCF-style: chr20-44624201-C-A. GRCh37 (hg19) VCF-style: chr20-43252842-C-A.
Other names: c.201+1G>T (NM_001322050.2); c.606+1G>T (NM_001322051.2).
Identifiers: ClinVar variation 1901446 (VCV001901446.5), dbSNP rs747762398, ClinGen allele CA409120729.
Genomic context (GRCh38, chr20:44,624,201, plus strand): 5'-CTATGGGTGGGAGACAAGCTCACCCAGGGCCAGCCTCTCCATTCCTTCTCACAGGACCCA[C>A]CTGGTAGGCCTGGACATGTCCAGGCAAGAGGCTGCTTCCTGGGATGGTCTCATCTCCAGC-3'

ClinVar aggregate classification (germline): Likely pathogenic. Review status: reviewed by expert panel (3 of 4 stars). 2 submissions from 2 submitters: Likely pathogenic (1). 1 of the submissions does not count toward it. Last evaluated 2024-06-19.

Conditions:
Severe combined immunodeficiency, autosomal recessive, T cell-negative, B cell-negative, NK cell-negative, due to adenosine deaminase deficiency. Also called: ADA deficiency; Adenosine deaminase deficient severe combined immunodeficiency; Severe combined immunodeficiency due to ADA deficiency; Adenosine Deaminase Deficiency; SCID DUE TO ADA DEFICIENCY; SCID DUE TO ADA DEFICIENCY, EARLY-ONSET. Identifiers: Orphanet 277, MedGen C0392607, MONDO:0007064, OMIM 102700.

gnomAD v4.1: 1 of 1,610,296 alleles (0.000062%); highest among the groups gnomAD compares: African/African-American, 0.0013%; no homozygotes.

Submissions (2):

ClinGen Severe Combined Immunodeficiency Variant Curation Expert Panel, ClinGen
Classification: Likely pathogenic for Severe combined immunodeficiency, autosomal recessive, T cell-negative, B cell-negative, NK cell-negative, due to adenosine deaminase deficiency. Last evaluated: 2024-06-19. Review status: reviewed by expert panel. Criteria: ClinGen SCID ACMG Specifications ADA V1.0.0. Collection method: curation. Allele origin: germline. Inheritance: Autosomal recessive inheritance.
Comment: The c.606+1G>T (NM_000022.4) variant in ADA occurs within the canonical donor splice site (+1) of intron 6. The variant is predicted by SpliceAI to affect splicing. It is expected to cause skipping of a biologically relevant exon 6, resulting in a frameshift (p.(Asn160Argfs*48) leading to nonsense mediated decay in a gene in which loss of function is an established disease mechanism (PVS1). The highest population minor allele frequency in gnomAD v4 is 0.00002994 (1/33402 alleles) in African/African American population, which is lower than the ClinGen SCID VCEP threshold (<0.0001742) for PM2_Supporting, meeting this criterion (PM2_Supporting). There are no publications for this variant in the literature. As per the SCID VCEP specifications and the Bayesian interpretation of the ACMG/AMP combining rules, 1 very strong and 1 supporting criteria results in a Likely Pathogenic classification. In summary, this variant meets the criteria to be classified as a Likely Pathogenic variant for autosomal recessive severe combined immunodeficiency due to ADA deficiency based on the ACMG/AMP criteria applied, as specified by the ClinGen SCID VCEP: PM2_Supporting,PVS1 (VCEP specifications version 1).

Labcorp Genetics (formerly Invitae), Labcorp
Classification: Likely pathogenic for Severe combined immunodeficiency, autosomal recessive, T cell-negative, B cell-negative, NK cell-negative, due to adenosine deaminase deficiency. Last evaluated: 2023-09-06. Review status: criteria provided, single submitter. Criteria: Invitae Variant Classification Sherloc (09022015). Collection method: clinical testing. Allele origin: germline. Not counted in ClinVar's aggregate classification.
Comment: This sequence change affects a donor splice site in intron 6 of the ADA gene. It is expected to disrupt RNA splicing. Variants that disrupt the donor or acceptor splice site typically lead to a loss of protein function (PMID: 16199547), and loss-of-function variants in ADA are known to be pathogenic (PMID: 26255240, 26376800). This variant is present in population databases (no rsID available, gnomAD 0.007%). In summary, the currently available evidence indicates that the variant is pathogenic, but additional data are needed to prove that conclusively. Therefore, this variant has been classified as Likely Pathogenic. Algorithms developed to predict the effect of sequence changes on RNA splicing suggest that this variant may disrupt the consensus splice site. ClinVar contains an entry for this variant (Variation ID: 1901446). This variant has not been reported in the literature in individuals affected with ADA-related conditions.

Literature cited by the submitters: PubMed 16199547 (cited by Labcorp Genetics (formerly Invitae), Labcorp); PubMed 26255240 (cited by Labcorp Genetics (formerly Invitae), Labcorp); PubMed 26376800 (cited by Labcorp Genetics (formerly Invitae), Labcorp).